The following is an entry in ClinVar:

ClinVar aggregate classification (germline): Uncertain significance (1 of 4 stars; one submission).

Submission:

Labcorp Genetics (formerly Invitae), Labcorp
Classification: Uncertain significance. Last evaluated: 2022-01-06. Review status: criteria provided, single submitter. Criteria: Invitae Variant Classification Sherloc (09022015). Collection method: clinical testing. Allele origin: germline.
Comment: This variant is not present in population databases (gnomAD no frequency). In summary, the available evidence is currently insufficient to determine the role of this variant in disease. Therefore, it has been classified as a Variant of Uncertain Significance. Algorithms developed to predict the effect of missense changes on protein structure and function are either unavailable or do not agree on the potential impact of this missense change (SIFT: "Deleterious"; PolyPhen-2: "Probably Damaging"; Align-GVGD: "Class C0"). This variant has not been reported in the literature in individuals affected with GPR179-related conditions. This sequence change replaces glutamic acid, which is acidic and polar, with glutamine, which is neutral and polar, at codon 861 of the GPR179 protein (p.Glu861Gln).

NM_001004334.4(GPR179):c.2581G>C (p.Glu861Gln)

Gene: GPR179 (G protein-coupled receptor 179; minus strand). Cytogenetic location: 17q12.
Variant type: single nucleotide variant.
Coding change: c.2581G>C on transcript NM_001004334.4 (MANE Select); coding-DNA position 2581, G replaced by C.
Protein change: p.Glu861Gln; replaces glutamic acid 861 with glutamine.
Molecular consequence: missense variant.
Genome position (GRCh38, 1-based): chr17:38,330,988, C>G on the plus strand (G>C on the coding strand, the complement: GPR179 is on the minus strand). VCF-style: chr17-38330988-C-G. GRCh37 (hg19) VCF-style: chr17-36486871-C-G.
Other names: short protein forms E861Q.
Identifiers: ClinVar variation 1419057 (VCV001419057.6), dbSNP rs756212907, ClinGen allele CA398882907.